The following is an entry in ClinVar:

ClinVar aggregate classification (germline): Uncertain significance (1 of 4 stars; one submission).

Conditions:
Hyperkalemic periodic paralysis. Also called: Familial hyperkalemic periodic paralysis; Gamstorp disease. Identifiers: Orphanet 682, MedGen C0238357, MONDO:0008224, OMIM 170500, HP:0007215.

Submission:

Labcorp Genetics (formerly Invitae), Labcorp
Classification: Uncertain significance for Hyperkalemic periodic paralysis. Last evaluated: 2022-05-06. Review status: criteria provided, single submitter. Criteria: Invitae Variant Classification Sherloc (09022015). Collection method: clinical testing. Allele origin: germline.
Comment: This variant is not present in population databases (gnomAD no frequency). This sequence change replaces serine, which is neutral and polar, with arginine, which is basic and polar, at codon 1609 of the SCN4A protein (p.Ser1609Arg). In summary, the available evidence is currently insufficient to determine the role of this variant in disease. Therefore, it has been classified as a Variant of Uncertain Significance. Algorithms developed to predict the effect of missense changes on protein structure and function (SIFT, PolyPhen-2, Align-GVGD) all suggest that this variant is likely to be disruptive. This variant has not been reported in the literature in individuals affected with SCN4A-related conditions.

NM_000334.4(SCN4A):c.4827C>G (p.Ser1609Arg)

Genes: GH-LCR (growth hormone locus control region; plus strand), SCN4A (sodium voltage-gated channel alpha subunit 4; minus strand). Cytogenetic location: 17q23.3.
Variant type: single nucleotide variant.
Coding change: c.4827C>G on transcript NM_000334.4 (MANE Select); coding-DNA position 4827, C replaced by G.
Protein change: p.Ser1609Arg; replaces serine 1609 with arginine.
Molecular consequence: missense variant.
Genome position (GRCh38, 1-based): chr17:63,941,455, G>C on the plus strand (C>G on the coding strand, the complement: SCN4A is on the minus strand). VCF-style: chr17-63941455-G-C. GRCh37 (hg19) VCF-style: chr17-62018815-G-C.
Other names: short protein forms S1609R.
Identifiers: ClinVar variation 2134687 (VCV002134687.4), dbSNP rs376689238, ClinGen allele CA400614883.
Genomic context (GRCh38, chr17:63,941,455, plus strand): 5'-GGGGTCGAACTTCTCCCATGTCTCGTAGAACATCTCAAAGTCATCTTCACCAAGGGGCTC[G>C]CTGCTCTCCTCTGTGGCCACATTGAAGTTCTCCAGGATGATGGCGATGTACATGTTGACC-3'
Protein context (NP_000325.4, residues 1599-1619): ENFNVATEES[Ser1609Arg]EPLGEDDFEM